The following is an entry in ClinVar:

ClinVar aggregate classification (germline): Uncertain significance (1 of 4 stars; one submission).

Submission:

Pediatric Department, Xiangya Hospital, Central South University
Classification: Uncertain significance. Review status: criteria provided, single submitter. Criteria: ACMG Guidelines, 2015. Collection method: clinical testing. Allele origin: inherited. Inheritance: Autosomal recessive inheritance. Affected: yes. Observed: 2 compound heterozygotes. Clinical features observed: Neurodevelopmental delay, Hypotonia, Muscle weakness.
Comment: This variant was observed in compound heterozygosity with variant (c.316G>A)

NM_145199.3(LIPT1):c.302G>A (p.Ser101Asn)

Genes: LIPT1 (lipoyltransferase 1; plus strand), MITD1 (microtubule interacting and trafficking domain containing 1; minus strand). Cytogenetic location: 2q11.2.
Variant type: single nucleotide variant.
Coding change: c.302G>A on transcript NM_145199.3 (MANE Select); coding-DNA position 302, G replaced by A.
Protein change: p.Ser101Asn; replaces serine 101 with asparagine.
Molecular consequence: missense variant. On other transcripts: non-coding transcript variant (2).
Genome position (GRCh38, 1-based): chr2:99,162,259, G>A. VCF-style: chr2-99162259-G-A. GRCh37 (hg19) VCF-style: chr2-99778722-G-A.
Other names: c.302G>A, p.Ser101Asn (NM_001204830.2, NM_015929.4, NM_145197.3 and 1 more transcripts); short protein forms S101N.
Identifiers: ClinVar variation 1802680 (VCV001802680.1), dbSNP rs1335516056, ClinGen allele CA347851799.